The following is an entry in ClinVar:

NM_000079.4(CHRNA1):c.1171G>A (p.Glu391Lys)

Gene: CHRNA1 (cholinergic receptor nicotinic alpha 1 subunit; minus strand). Cytogenetic location: 2q31.1.
Variant type: single nucleotide variant.
Coding change: c.1171G>A on transcript NM_000079.4 (MANE Select); coding-DNA position 1171, G replaced by A.
Protein change: p.Glu391Lys; replaces glutamic acid 391 with lysine.
Molecular consequence: missense variant.
Genome position (GRCh38, 1-based): chr2:174,748,651, C>T on the plus strand (G>A on the coding strand, the complement: CHRNA1 is on the minus strand). VCF-style: chr2-174748651-C-T. GRCh37 (hg19) VCF-style: chr2-175613379-C-T.
Other names: c.1246G>A, p.Glu416Lys (NM_001039523.3); short protein forms E416K, E391K.
Identifiers: ClinVar variation 1399340 (VCV001399340.6), dbSNP rs762411124, ClinGen allele CA1974352.

ClinVar aggregate classification (germline): Uncertain significance (1 of 4 stars; one submission).

Conditions:
Lethal multiple pterygium syndrome (LMPS). Identifiers: Orphanet 33108, MedGen C1854678, MONDO:0009668, OMIM 253290.

Allele frequency attached by ClinVar (database versions not stated): gnomAD 0.00002; TOPMed 0.00002.

Submission:

Labcorp Genetics (formerly Invitae), Labcorp
Classification: Uncertain significance for Lethal multiple pterygium syndrome. Last evaluated: 2023-06-30. Review status: criteria provided, single submitter. Criteria: Invitae Variant Classification Sherloc (09022015). Collection method: clinical testing. Allele origin: germline.
Comment: In summary, the available evidence is currently insufficient to determine the role of this variant in disease. Therefore, it has been classified as a Variant of Uncertain Significance. This sequence change replaces glutamic acid, which is acidic and polar, with lysine, which is basic and polar, at codon 391 of the CHRNA1 protein (p.Glu391Lys). This variant is present in population databases (rs762411124, gnomAD 0.01%). This variant has not been reported in the literature in individuals affected with CHRNA1-related conditions. ClinVar contains an entry for this variant (Variation ID: 1399340). Advanced modeling of protein sequence and biophysical properties (such as structural, functional, and spatial information, amino acid conservation, physicochemical variation, residue mobility, and thermodynamic stability) performed at Invitae indicates that this missense variant is not expected to disrupt CHRNA1 protein function.